The following is an entry in ClinVar:

NM_024642.5(GALNT12):c.1545C>G (p.Thr515=)

Gene: GALNT12 (polypeptide N-acetylgalactosaminyltransferase 12; plus strand). Cytogenetic location: 9q22.33.
Variant type: single nucleotide variant.
Coding change: c.1545C>G on transcript NM_024642.5 (MANE Select); coding-DNA position 1545, C replaced by G.
Protein change: p.Thr515=; no amino-acid change (threonine 515 retained).
Molecular consequence: synonymous variant.
Genome position (GRCh38, 1-based): chr9:98,846,063, C>G. VCF-style: chr9-98846063-C-G. GRCh37 (hg19) VCF-style: chr9-101608345-C-G.
Identifiers: ClinVar variation 4875696 (VCV004875696.1).

ClinVar aggregate classification (germline): Benign (1 of 4 stars; one submission).

Conditions:
Colorectal cancer, susceptibility to, 1. Also called: COLORECTAL ADENOMA AND CANCER, SUSCEPTIBILITY TO; COLORECTAL CANCER, SUSCEPTIBILITY TO, ON CHROMOSOME 9. Identifiers: MedGen C1837315, MONDO:0012132, OMIM 608812.

Submission:

Myriad Genetics, Inc.
Classification: Benign for Colorectal cancer, susceptibility to, 1. Last evaluated: 2026-04-27. Review status: criteria provided, single submitter. Criteria: Myriad Autosomal Dominant, Autosomal Recessive and X-Linked Classification Criteria (2023). Collection method: clinical testing. Allele origin: unknown.
Comment: This variant is considered benign. This variant is a silent/synonymous amino acid change and it is not expected to impact splicing.